The following is an entry in ClinVar:

ClinVar aggregate classification (germline): Conflicting classifications of pathogenicity. Review status: criteria provided, conflicting classifications (1 of 4 stars). 5 submissions from 5 submitters: Pathogenic (1); Likely pathogenic (2); Uncertain significance (2). Last evaluated 2025-07-14.

Conditions:
Laron-type isolated somatotropin defect. Also called: GROWTH HORMONE RECEPTOR DEFICIENCY; Laron Syndrome; Growth hormone binding protein deficiency or dysfunction; Growth hormone receptor deficiency or dysfunction; Laron dwarfism; Laron type pituitary dwarfism I. Identifiers: Orphanet 633, MedGen C0271568, MONDO:0009877, OMIM 262500.

Allele frequency attached by ClinVar (database versions not stated): gnomAD 0.00001.
gnomAD v4.1: 2 of 1,612,208 alleles (0.00012%); highest among the groups gnomAD compares: South Asian, 0.0011%; no homozygotes.

Submissions (5):

Labcorp Genetics (formerly Invitae), Labcorp
Classification: Likely pathogenic. Last evaluated: 2025-07-14. Review status: criteria provided, single submitter. Criteria: Invitae Variant Classification Sherloc (09022015). Collection method: clinical testing. Allele origin: germline.
Comment: This sequence change affects codon 241 of the GHR mRNA. It is a 'silent' change, meaning that it does not change the encoded amino acid sequence of the GHR protein. RNA analysis indicates that this variant induces altered splicing and likely results in the loss of 21 amino acid residue(s), but is expected to preserve the integrity of the reading-frame. This variant is present in population databases (no rsID available, gnomAD 0.003%). This variant has been observed in individual(s) with Laron syndrome (PMID: 9024232, 9024234, 28870985). In at least one individual the data is consistent with being in trans (on the opposite chromosome) from a pathogenic variant. This variant is also known as c.766C>T. ClinVar contains an entry for this variant (Variation ID: 1705333). Studies have shown that this variant results in the activation of a cryptic splice site in exon 7 (PMID: 9024234). In summary, the currently available evidence indicates that the variant is pathogenic, but additional data are needed to prove that conclusively. Therefore, this variant has been classified as Likely Pathogenic.

Centro de Investigaciones Endocrinológicas “Dr. César Bergadá” (CEDIE), Unidad de Investigacion Traslacional (UIT), Hospital de Niños Dr. Ricardo Gutiérrez
Classification: Pathogenic for Laron-type isolated somatotropin defect. Last evaluated: 2025-03-28. Review status: criteria provided, single submitter. Criteria: Institutional Variant Interpretation Framework ClinVar CEDIE Version 1. Collection method: clinical testing. Allele origin: germline. Affected: yes. Observed: 4 variant alleles.
Comment: The variant is observed at an extremely low frequency in gnomAD v4.1.0 dataset (only 2 heterozygous individuals, allele frequency 0.0001241%; PM2_supporting) and is present in ClinVar (ID 1705333) and ClinGen (CA443847935) databases. GHR gene encodes for growth hormone receptor. There is definitive evidence supporting the role of GH receptor in growth. The presence of homozygous or compound heterozygous loss-of-function variants in GHR gene cause a severe short stature phenotype associated to growth hormone resistance known as Laron syndrome (OMIM #262500, MONDO:0009877) or classical growth hormone insensitivity, compatible with an autosomal recessive mode of inheritance. The NM_000163.5(GHR):c.723C>T variant lies in exon 7 of GHR gene and predicts no change in the protein aminoacid sequence (synonymous variant). However, in silico tools predict a splicing defect with the loss of the usual splicing donor site and the gain of a new one 63 nucleotides before (SpliceAI: donor loss score 0,81, position 61bp; donor gain score 0,96 position -2bp; PP3). The loss of these 63 nucleotides predicts the in-frame loss of 21 aminoacids in the extracellular portion of Growth Hormone (GH) receptor. The study of mRNA extracted from lymphocytes of patients with Laron syndrome phenotype harboring this variant has confirmed the splicing defect, showing a shorter mRNA which lacks 63 nucleotides (PMID: 9024234, PS3_supporting). This variant has been reported in the literature in at least 12 individuals with short stature and classical Laron syndrome phenotype, 11 homozygous and 1 compound heterozygous individual (PMID: 9024232, 28870985, 9024234). Eight of the homozygous cases belong to a Bahamian genetic isolate of Anglo-Saxon origin (PMID: 9024234). Two other Argentinian Laron syndrome patients have been reported to be homozygous for this variant (Bazzara L., et al. JPEM 19(S3):1080, 2006. Abstract). A total of 18 individuals (16 homozygous and 2 compound heterozygous) with the specific phenotype of Laron Syndrome have been considered for this classification (PM3_very strong). In summary, the available evidence supports the classification of this variant as Pathogenic (PM2_supporting, PP3, PS3_supporting, PM3_very strong) according to ACMG criteria and the recommendations of the ClinGen Sequence Variant Interpretation Working Group (SVI WG).

3billion
Classification: Uncertain significance for Laron-type isolated somatotropin defect. Last evaluated: 2022-09-01. Review status: criteria provided, single submitter. Criteria: ACMG Guidelines, 2015. Collection method: clinical testing. Allele origin: germline. Affected: yes. Observed: 1 homozygote.
Comment: The variant is observed at an extremely low frequency in the gnomAD v2.1.1 dataset (total allele frequency: <0.001%). In silico tools predict the variant to alter splicing and produce an abnormal transcript (SpliceAI: 0.96). Therefore, this variant is classified as uncertain significance according to the recommendation of ACMG/AMP guideline.

Kasturba Medical College, Manipal, Kasturba Medical College, Manipal, Manipal Academy of Higher Education, Manipal, India
Classification: Uncertain significance for Laron-type isolated somatotropin defect. Review status: criteria provided, single submitter. Criteria: ACMG Guidelines, 2015. Collection method: clinical testing. Allele origin: biparental. Inheritance: Autosomal recessive inheritance. Affected: yes. Observed: 1 homozygote.

Suma Genomics
Classification: Likely pathogenic for Laron-type isolated somatotropin defect. Review status: criteria provided, single submitter. Criteria: ACMG Guidelines, 2015. Collection method: clinical testing. Allele origin: germline. Inheritance: Autosomal recessive inheritance. Affected: yes. Observed: 1 homozygote.
Comment: Variant: GHR [NM_000163.5] variant c.723C>T, p.(Gly241=) ACMG classification: Likely pathogenic ACMG citeria met: PS3_Supporting: Well-established in vitro or in vivo functional studies supportive of a damaging effect on the gene or gene product PM2_Supporting: Absent from controls (or at extremely low frequency if recessive) in Exome Sequencing Project, 1000 Genomes or ExAC PP1_Strong: Co-segregation with disease in multiple affected family members in a gene definitively known to cause the disease PP4: Patient’s phenotype or family history is highly specific for a disease with a single genetic etiology PP3: Multiple lines of computational evidence support a deleterious effect on the gene or gene product (conservation, evolutionary, splicing impact, etc.)

Literature cited by the submitters: PubMed 9024232 (cited by Labcorp Genetics (formerly Invitae), Labcorp and Centro de Investigaciones Endocrinológicas “Dr. César Bergadá” (CEDIE), Unidad de Investigacion Traslacional (UIT), Hospital de Niños Dr. Ricardo Gutiérrez); PubMed 9024234 (cited by Labcorp Genetics (formerly Invitae), Labcorp and Centro de Investigaciones Endocrinológicas “Dr. César Bergadá” (CEDIE), Unidad de Investigacion Traslacional (UIT), Hospital de Niños Dr. Ricardo Gutiérrez); PubMed 28870985 (cited by Labcorp Genetics (formerly Invitae), Labcorp and Centro de Investigaciones Endocrinológicas “Dr. César Bergadá” (CEDIE), Unidad de Investigacion Traslacional (UIT), Hospital de Niños Dr. Ricardo Gutiérrez).

NM_000163.5(GHR):c.723C>T (p.Gly241=)

Gene: GHR (growth hormone receptor; plus strand). Cytogenetic location: 5p12.
Variant type: single nucleotide variant.
Coding change: c.723C>T on transcript NM_000163.5 (MANE Select); coding-DNA position 723, C replaced by T.
Protein change: p.Gly241=; no amino-acid change (glycine 241 retained).
Molecular consequence: synonymous variant.
Genome position (GRCh38, 1-based): chr5:42,711,311, C>T. VCF-style: chr5-42711311-C-T. GRCh37 (hg19) VCF-style: chr5-42711413-C-T.
Other names: NP_000154.1:p.(Gly241=); c.744C>T, p.Gly248= (NM_001242399.2); c.723C>T, p.Gly241= (NM_001242400.2, NM_001242401.4, NM_001242402.2 and 5 more transcripts); c.657C>T, p.Gly219= (NM_001242460.2).
Identifiers: ClinVar variation 1705333 (VCV001705333.7), dbSNP rs1260870046, ClinGen allele CA443847935.